The following is an entry in ClinVar:

NM_024809.5(TCTN2):c.565-232C>T

Gene: TCTN2 (tectonic family member 2; plus strand). Cytogenetic location: 12q24.31.
Variant type: single nucleotide variant.
Coding change: c.565-232C>T on transcript NM_024809.5 (MANE Select); 232 bases into the intron before coding-DNA position 565, C replaced by T.
Molecular consequence: intron variant.
Genome position (GRCh38, 1-based): chr12:123,686,604, C>T. VCF-style: chr12-123686604-C-T. GRCh37 (hg19) VCF-style: chr12-124171151-C-T.
Other names: c.562-232C>T (NM_001143850.3).
Identifiers: ClinVar variation 670708 (VCV000670708.1), dbSNP rs7308862, ClinGen allele CA245195159.

ClinVar aggregate classification (germline): Benign (1 of 4 stars; one submission).

Allele frequency attached by ClinVar (database versions not stated): 1000 Genomes Project 0.33606; 1000 Genomes Project 30x 0.34135; gnomAD 0.41736 and 0.42654; TOPMed 0.42414.
gnomAD v4.1: 63,498 of 152,064 alleles (42%); highest among the groups gnomAD compares: African/African-American, 56%; 14,208 homozygotes.

Submission:

GeneDx
Classification: Benign. Last evaluated: 2018-06-14. Review status: criteria provided, single submitter. Criteria: GeneDx Variant Classification (06012015). Collection method: clinical testing. Allele origin: germline. Affected: yes.
Comment: This variant is considered likely benign or benign based on one or more of the following criteria: it is a conservative change, it occurs at a poorly conserved position in the protein, it is predicted to be benign by multiple in silico algorithms, and/or has population frequency not consistent with disease.